The following is an entry in ClinVar:

ClinVar aggregate classification (germline): Conflicting classifications of pathogenicity. Review status: criteria provided, conflicting classifications (1 of 4 stars). 2 submissions from 2 submitters: Uncertain significance (1); Likely benign (1). Last evaluated 2026-08-18.

Conditions:
MED1-related condition.

Allele frequency attached by ClinVar (database versions not stated): gnomAD 0.00049; 1000 Genomes Project 0.00060; ESP Exome Variant Server 0.00069; 1000 Genomes Project 30x 0.00078.
gnomAD v4.1: 143 of 1,614,158 alleles (0.0089%); highest among the groups gnomAD compares: African/African-American, 0.17%; 1 homozygote.

Submissions (2):

PreventionGenetics, part of Exact Sciences
Classification: Likely benign for MED1-related condition. Last evaluated: 2026-08-18. Review status: criteria provided, single submitter. Criteria: ACMG Guidelines, 2015. Collection method: clinical testing. Allele origin: germline.
Comment: This variant is classified as likely benign based on ACMG/AMP sequence variant interpretation guidelines (Richards et al. 2015 PMID: 25741868, with internal and published modifications).

Ambry Genetics
Classification: Uncertain significance. Last evaluated: 2024-02-06. Review status: criteria provided, single submitter. Criteria: Ambry Variant Classification Scheme 2023. Collection method: clinical testing. Allele origin: germline.

NM_004774.4(MED1):c.3074G>A (p.Ser1025Asn)

Gene: MED1 (mediator complex subunit 1; minus strand). Cytogenetic location: 17q12.
Variant type: single nucleotide variant.
Coding change: c.3074G>A on transcript NM_004774.4 (MANE Select); coding-DNA position 3074, G replaced by A.
Protein change: p.Ser1025Asn; replaces serine 1025 with asparagine.
Molecular consequence: missense variant.
Genome position (GRCh38, 1-based): chr17:39,409,147, C>T on the plus strand (G>A on the coding strand, the complement: MED1 is on the minus strand). VCF-style: chr17-39409147-C-T. GRCh37 (hg19) VCF-style: chr17-37565400-C-T.
Other names: short protein forms S1025N.
Identifiers: ClinVar variation 3124852 (VCV003124852.2), dbSNP rs147785377, ClinGen allele CA8530255.